The following is an entry in ClinVar:

NM_017950.4(CCDC40):c.1234C>G (p.Arg412Gly)

Gene: CCDC40 (coiled-coil domain 40 molecular ruler complex subunit; plus strand). Cytogenetic location: 17q25.3.
Variant type: single nucleotide variant.
Coding change: c.1234C>G on transcript NM_017950.4 (MANE Select); coding-DNA position 1234, C replaced by G.
Protein change: p.Arg412Gly; replaces arginine 412 with glycine.
Molecular consequence: missense variant.
Genome position (GRCh38, 1-based): chr17:80,058,568, C>G. VCF-style: chr17-80058568-C-G. GRCh37 (hg19) VCF-style: chr17-78032367-C-G.
Other names: c.1234C>G, p.Arg412Gly (NM_001243342.2, NM_001330508.2); short protein forms R412G.
Identifiers: ClinVar variation 4221242 (VCV004221242.2).

ClinVar aggregate classification (germline): Uncertain significance. Review status: criteria provided, multiple submitters, no conflicts (2 of 4 stars). 2 submissions from 2 submitters: Uncertain significance (2). Last evaluated 2025-07-15.

Conditions:
Primary ciliary dyskinesia. Also called: Ciliary dyskinesia. Identifiers: Orphanet 244, MedGen C0008780, MONDO:0016575, HP:0012265.

gnomAD v4.1: 14 of 1,614,032 alleles (0.00087%); highest among the groups gnomAD compares: African/African-American, 0.0027%; no homozygotes.

Submissions (2):

Labcorp Genetics (formerly Invitae), Labcorp
Classification: Uncertain significance for Primary ciliary dyskinesia. Last evaluated: 2025-07-15. Review status: criteria provided, single submitter. Criteria: Invitae Variant Classification Sherloc (09022015). Collection method: clinical testing. Allele origin: germline.
Comment: This sequence change replaces arginine, which is basic and polar, with glycine, which is neutral and non-polar, at codon 412 of the CCDC40 protein (p.Arg412Gly). This variant is present in population databases (rs200512481, gnomAD 0.003%). This variant has not been reported in the literature in individuals affected with CCDC40-related conditions. Invitae Evidence Modeling of protein sequence and biophysical properties (such as structural, functional, and spatial information, amino acid conservation, physicochemical variation, residue mobility, and thermodynamic stability) indicates that this missense variant is expected to disrupt CCDC40 protein function with a positive predictive value of 80%. In summary, the available evidence is currently insufficient to determine the role of this variant in disease. Therefore, it has been classified as a Variant of Uncertain Significance.

Ambry Genetics
Classification: Uncertain significance for Primary ciliary dyskinesia. Last evaluated: 2025-07-08. Review status: criteria provided, single submitter. Criteria: Ambry Variant Classification Scheme 2023. Collection method: clinical testing. Allele origin: germline.